The following is an entry in ClinVar:

NM_000260.4(MYO7A):c.4293G>A (p.Trp1431Ter)

Gene: MYO7A (myosin VIIA; plus strand). Cytogenetic location: 11q13.5.
Variant type: single nucleotide variant.
Coding change: c.4293G>A on transcript NM_000260.4 (MANE Select); coding-DNA position 4293, G replaced by A.
Protein change: p.Trp1431Ter; replaces tryptophan 1431 with a stop codon.
Molecular consequence: nonsense.
Genome position (GRCh38, 1-based): chr11:77,194,494, G>A. VCF-style: chr11-77194494-G-A. GRCh37 (hg19) VCF-style: chr11-76905539-G-A.
Other names: c.4293G>A, p.Trp1431Ter (NM_001127180.2); c.4260G>A, p.Trp1420Ter (NM_001369365.1); short protein forms W1431*, W1420*.
Identifiers: ClinVar variation 43236 (VCV000043236.16), dbSNP rs397516308, ClinGen allele CA278665.
Genomic context (GRCh38, chr11:77,194,494, plus strand): 5'-CCTCGTGCCCACCTACATCCCCGACCGCGAGATCACGCCCCTGAAGACGCTGGAGAAGTG[G>A]GCCCAGCTGGCCATCGCCGCCCACAAGAAGGTAGAAGGGCTGAGAGGAGTCCTAGAGAAG-3'

ClinVar aggregate classification (germline): Pathogenic/Likely pathogenic. Review status: criteria provided, multiple submitters, no conflicts (2 of 4 stars). 4 submissions from 4 submitters: Pathogenic (3); Likely pathogenic (1). Last evaluated 2025-12-08.

Conditions:
MYO7A-related disorder. Also called: MYO7A-related disorders.
Rare genetic deafness. Identifiers: Orphanet 96210, MedGen C5680250.
Usher syndrome type 1B (USH1B). Also called: Usher syndrome type IB. Identifiers: MedGen C1848638, MONDO:0700087.

Allele frequency attached by ClinVar (database versions not stated): gnomAD 0.00001; gnomAD exomes 0.00001 and 0.00002; TOPMed 0.00001.

Submissions (4):

Natera, Inc.
Classification: Pathogenic for Usher syndrome type 1B. Last evaluated: 2025-12-08. Review status: criteria provided, single submitter. Criteria: Natera Variant Classification Schema (03/2026). Collection method: clinical testing. Allele origin: germline.
Comment: The c.4293G>A variant in MYO7A is a nonsense variant predicted to introduce a stop codon at amino acid 1431. This variant is expected to result in nonsense mediated decay, truncation, or a dysfunctional protein product. This variant is rare in the general population with a frequency below the threshold expected for the associated phenotype(s). This variant has been observed in one or more individuals affected with the associated recessive disease, as either homozygous or compound heterozygous with a second variant (PMID: 32856788). Given the available evidence, this variant is classified as Pathogenic.

Blueprint Genetics
Classification: Likely pathogenic for MYO7A-related disorders. Last evaluated: 2024-10-01. Review status: criteria provided, single submitter. Criteria: ACMG Guidelines, 2015. Collection method: clinical testing. Allele origin: germline. Affected: yes. Observed: 5 variant alleles.

Labcorp Genetics (formerly Invitae), Labcorp
Classification: Pathogenic. Last evaluated: 2024-02-02. Review status: criteria provided, single submitter. Criteria: Invitae Variant Classification Sherloc (09022015). Collection method: clinical testing. Allele origin: germline.
Comment: This sequence change creates a premature translational stop signal (p.Trp1431*) in the MYO7A gene. It is expected to result in an absent or disrupted protein product. Loss-of-function variants in MYO7A are known to be pathogenic (PMID: 8900236, 25404053). This variant is present in population databases (rs397516308, gnomAD 0.003%). This premature translational stop signal has been observed in individual(s) with Usher syndrome (PMID: 22135276). ClinVar contains an entry for this variant (Variation ID: 43236). For these reasons, this variant has been classified as Pathogenic.

Laboratory for Molecular Medicine, Mass General Brigham Personalized Medicine
Classification: Pathogenic for Rare genetic deafness. Last evaluated: 2015-12-01. Review status: criteria provided, single submitter. Criteria: LMM Criteria. Collection method: clinical testing. Allele origin: germline. Inheritance: Autosomal recessive inheritance. Observed: 2 variant alleles.
Comment: The p.Trp1431X variant in MYO7A has been reported in 1 individual with Usher syn drome (Le Quesne Stabej 2012). It has not bee identified in large population stu dies. This nonsense variant leads to a premature termination codon at position 1 431 which is predicted to lead to a truncated or absent protein. Loss of functio n of the MYO7A gene is an established disease mechanism in Usher syndrome. In s ummary, this variant meets our criteria to be classified as pathogenic for Usher syndrome in an autosomal recessive manner.

Literature cited by the submitters: PubMed 32856788 (cited by Natera, Inc.); PubMed 8900236 (cited by Labcorp Genetics (formerly Invitae), Labcorp); PubMed 25404053 (cited by Labcorp Genetics (formerly Invitae), Labcorp); PubMed 22135276 (cited by Labcorp Genetics (formerly Invitae), Labcorp and Laboratory for Molecular Medicine, Mass General Brigham Personalized Medicine).